The following is an entry in ClinVar:

NM_000465.4(BARD1):c.1590_1617del (p.Val531fs)

Gene: BARD1 (BRCA1 associated RING domain 1; minus strand). Cytogenetic location: 2q35.
Variant type: Deletion.
Coding change: c.1590_1617del on transcript NM_000465.4 (MANE Select); coding-DNA positions 1590 to 1617, 28 bases deleted (TGTCGATTATACAGATGATGAAAGTATG).
Protein change: p.Val531fs; shifts the reading frame from valine 531.
Molecular consequence: frameshift variant. On other transcripts: non-coding transcript variant (3), intron variant (1).
Genome position (GRCh38, 1-based): chr2:214,752,507-214,752,534, CATACTTTCATCATCTGTATAATCGACA deleted on the plus strand (TGTCGATTATACAGATGATGAAAGTATG on the coding strand, the reverse complement: BARD1 is on the minus strand). VCF-style (leftmost placement, unchanged base first): chr2-214752506-TCATACTTTCATCATCTGTATAATCGACA-T. GRCh37 (hg19) VCF-style: chr2-215617230-TCATACTTTCATCATCTGTATAATCGACA-T.
Other names: c.1533_1560del, p.Val512fs (NM_001282543.2); c.237_264del, p.Val80fs (NM_001282545.2); c.180_207del, p.Val61fs (NM_001282548.2); c.365-22026_365-21999del (NM_001282549.2); short protein forms V531fs, V80fs, V61fs, V512fs.
Identifiers: ClinVar variation 1775901 (VCV001775901.8), dbSNP rs1443184602, ClinGen allele CA764572787.

ClinVar aggregate classification (germline): Pathogenic. Review status: criteria provided, multiple submitters, no conflicts (2 of 4 stars). 3 submissions from 3 submitters: Pathogenic (3). Last evaluated 2025-03-25.

Conditions:
Hereditary cancer-predisposing syndrome. Also called: Neoplastic Syndromes, Hereditary; Tumor predisposition; Hereditary Cancer Syndrome; Hereditary neoplastic syndrome. Identifiers: Orphanet 140162, MedGen C0027672, MeSH D009386, MONDO:0015356.
Familial cancer of breast. Also called: BREAST CANCER, FAMILIAL; Hereditary breast cancer; hereditary breast carcinoma. Identifiers: Orphanet 227535, MedGen C0346153, MONDO:0016419, OMIM 114480. Disease mechanism: loss of function.

Allele frequency attached by ClinVar (database versions not stated): TOPMed below 0.00001; gnomAD 0.00001.

Submissions (3):

Ambry Genetics
Classification: Pathogenic for Hereditary cancer-predisposing syndrome. Last evaluated: 2025-03-25. Review status: criteria provided, single submitter. Criteria: Ambry Variant Classification Scheme 2023. Collection method: clinical testing. Allele origin: germline.
Comment: The c.1590_1617del28 pathogenic mutation, located in coding exon 7 of the BARD1 gene, results from a deletion of 28 nucleotides at nucleotide positions 1590 to 1617, causing a translational frameshift with a predicted alternate stop codon (p.V531Nfs*20). This variant is considered to be rare based on population cohorts in the Genome Aggregation Database (gnomAD). This alteration is expected to result in loss of function by premature protein truncation or nonsense-mediated mRNA decay. As such, this alteration is interpreted as a disease-causing mutation.

Myriad Genetics, Inc.
Classification: Pathogenic for Familial cancer of breast. Last evaluated: 2023-12-28. Review status: criteria provided, single submitter. Criteria: Myriad Autosomal Dominant, Autosomal Recessive and X-Linked Classification Criteria (2023). Collection method: clinical testing. Allele origin: unknown.
Comment: This variant is considered pathogenic. This variant creates a frameshift predicted to result in premature protein truncation.

Labcorp Genetics (formerly Invitae), Labcorp
Classification: Pathogenic for Familial cancer of breast. Last evaluated: 2022-03-01. Review status: criteria provided, single submitter. Criteria: Invitae Variant Classification Sherloc (09022015). Collection method: clinical testing. Allele origin: germline.
Comment: For these reasons, this variant has been classified as Pathogenic. Algorithms developed to predict the effect of sequence changes on RNA splicing suggest that this variant may disrupt the consensus splice site. This variant has not been reported in the literature in individuals affected with BARD1-related conditions. This variant is not present in population databases (gnomAD no frequency). This sequence change creates a premature translational stop signal (p.Val531Asnfs*20) in the BARD1 gene. It is expected to result in an absent or disrupted protein product. Loss-of-function variants in BARD1 are known to be pathogenic (PMID: 20077502, 21344236).

Literature cited by the submitters: PubMed 20077502 (cited by Labcorp Genetics (formerly Invitae), Labcorp); PubMed 21344236 (cited by Labcorp Genetics (formerly Invitae), Labcorp).